The following is an entry in ClinVar:

NM_000360.4(TH):c.1135_1136insAA (p.Cys379Ter)

Gene: TH (tyrosine hydroxylase; minus strand). Cytogenetic location: 11p15.5.
Variant type: Insertion.
Coding change: c.1135_1136insAA on transcript NM_000360.4 (MANE Select); coding-DNA positions 1135 to 1136, AA inserted.
Protein change: p.Cys379Ter; replaces cysteine 379 with a stop codon.
Molecular consequence: nonsense.
Genome position: GRCh38 VCF-style: chr11-2165732-C-CTT. GRCh37 (hg19) VCF-style: chr11-2186962-C-CTT.
Other names: c.1147_1148insAA, p.Cys383Ter (NM_001440535.1); c.865_866insAA, p.Cys289Ter (NM_001440536.1); c.853_854insAA, p.Cys285Ter (NM_001440537.1); c.1228_1229insAA, p.Cys410Ter (NM_199292.3); c.1216_1217insAA, p.Cys406Ter (NM_199293.3); short protein forms C285*, C289*, C379*, C383*, C406*, C410*.
Identifiers: ClinVar variation 4817045 (VCV004817045.1).

ClinVar aggregate classification (germline): Likely pathogenic (1 of 4 stars; one submission).

Conditions:
TH-deficient dopa-responsive dystonia. Also called: Tyrosine Hydroxylase-Deficient Dopa-Responsive Dystonia; Segawa syndrome, autosomal recessive; DYT-TH. Identifiers: Orphanet 101150, MedGen C2673535, MONDO:0011551, OMIM 605407.

Submission:

Natera, Inc.
Classification: Likely pathogenic for Autosomal recessive Segawa syndrome. Last evaluated: 2024-08-29. Review status: criteria provided, single submitter. Criteria: Natera Variant Classification Schema (03/2026). Collection method: clinical testing. Allele origin: germline.
Comment: The c.1228_1229insAA variant in TH is a frameshift variant predicted to shift the reading frame and introduce a stop codon. This variant is expected to result in nonsense mediated decay, truncation, or a dysfunctional protein product. This variant is rare in the general population with a frequency below the threshold expected for the associated phenotype(s). Given the available evidence, this variant is classified as Likely Pathogenic.